The following is an entry in ClinVar:

ClinVar aggregate classification (germline): Uncertain significance. Review status: criteria provided, multiple submitters, no conflicts (2 of 4 stars). 2 submissions from 2 submitters: Uncertain significance (2). Last evaluated 2026-04-25.

Conditions:
KIDINS220-related disorder. Also called: KIDINS220-related condition.

gnomAD v4.1: 3 of 1,597,568 alleles (0.00019%); highest among the groups gnomAD compares: African/African-American, 0.0013%; no homozygotes.

Submissions (2):

PreventionGenetics, part of Exact Sciences
Classification: Uncertain significance for KIDINS220-related condition. Last evaluated: 2026-04-25. Review status: criteria provided, single submitter. Criteria: ACMG Guidelines, 2015. Collection method: clinical testing. Allele origin: germline.
Comment: The KIDINS220 c.3125G>A variant is predicted to result in the amino acid substitution p.Arg1042Gln. To our knowledge, this variant has not been reported in the literature. This variant is reported in 0.0046% of alleles in individuals of African descent in gnomAD. At this time, the clinical significance of this variant is uncertain due to the absence of conclusive functional and genetic evidence.

Labcorp Genetics (formerly Invitae), Labcorp
Classification: Uncertain significance. Last evaluated: 2024-09-18. Review status: criteria provided, single submitter. Criteria: Invitae Variant Classification Sherloc (09022015). Collection method: clinical testing. Allele origin: germline.
Comment: This sequence change replaces arginine, which is basic and polar, with glutamine, which is neutral and polar, at codon 1042 of the KIDINS220 protein (p.Arg1042Gln). This variant is present in population databases (rs765985225, gnomAD 0.01%). This variant has not been reported in the literature in individuals affected with KIDINS220-related conditions. An algorithm developed to predict the effect of missense changes on protein structure and function (PolyPhen-2) suggests that this variant is likely to be disruptive. In summary, the available evidence is currently insufficient to determine the role of this variant in disease. Therefore, it has been classified as a Variant of Uncertain Significance.

NM_020738.4(KIDINS220):c.3125G>A (p.Arg1042Gln)

Gene: KIDINS220 (kinase D interacting substrate 220; minus strand). Cytogenetic location: 2p25.1.
Variant type: single nucleotide variant.
Coding change: c.3125G>A on transcript NM_020738.4 (MANE Select); coding-DNA position 3125, G replaced by A.
Protein change: p.Arg1042Gln; replaces arginine 1042 with glutamine.
Molecular consequence: missense variant. On other transcripts: non-coding transcript variant (2).
Genome position (GRCh38, 1-based): chr2:8,751,531, C>T on the plus strand (G>A on the coding strand, the complement: KIDINS220 is on the minus strand). VCF-style: chr2-8751531-C-T. GRCh37 (hg19) VCF-style: chr2-8891661-C-T.
Other names: c.3128G>A, p.Arg1043Gln (NM_001348729.2, NM_001348731.2, NM_001348734.2 and 2 more transcripts); c.3125G>A (NM_020738.2); c.3125G>A, p.Arg1042Gln (NM_001348732.2, NM_001348735.2, NM_001348738.2 and 3 more transcripts); c.2999G>A, p.Arg1000Gln (NM_001348736.2); short protein forms R1000Q, R1042Q, R1043Q.
Identifiers: ClinVar variation 3718958 (VCV003718958.3).
Genomic context (GRCh38, chr2:8,751,531, plus strand): 5'-ATAATTTCCCGTAGTTTGGGATCTAGGTTTACAGTGCATGGCAAAAAGACTTTTACATCT[C>T]GAGCCACAAGAACTGGGGTCCTTGAAGACAAAAACACTTCAAAATTTCTTATATCTCCAT-3'
Protein context (NP_065789.1, residues 1032-1052): LSSRTPVLVA[Arg1042Gln]DVKVFLPCTV